The following is an entry in ClinVar:

ClinVar aggregate classification (germline): Pathogenic (1 of 4 stars; one submission).

Conditions:
Hereditary cancer-predisposing syndrome. Also called: Neoplastic Syndromes, Hereditary; Tumor predisposition; Hereditary neoplastic syndrome; Hereditary Cancer Syndrome. Identifiers: Orphanet 140162, MedGen C0027672, MeSH D009386, MONDO:0015356.

Submission:

Ambry Genetics
Classification: Pathogenic for Hereditary cancer-predisposing syndrome. Last evaluated: 2024-04-03. Review status: criteria provided, single submitter. Criteria: Ambry Variant Classification Scheme 2023. Collection method: clinical testing. Allele origin: germline.
Comment: The p.S1731* pathogenic mutation (also known as c.5192C>A), located in coding exon 34 of the ATM gene, results from a C to A substitution at nucleotide position 5192. This changes the amino acid from a serine to a stop codon within coding exon 34. This variant is considered to be rare based on population cohorts in the Genome Aggregation Database (gnomAD). This alteration is expected to result in loss of function by premature protein truncation or nonsense-mediated mRNA decay. As such, this alteration is interpreted as a disease-causing mutation.

NM_000051.4(ATM):c.5192C>A (p.Ser1731Ter)

Gene: ATM (ATM serine/threonine kinase; plus strand). Cytogenetic location: 11q22.3.
Variant type: single nucleotide variant.
Coding change: c.5192C>A on transcript NM_000051.4 (MANE Select); coding-DNA position 5192, C replaced by A.
Protein change: p.Ser1731Ter; replaces serine 1731 with a stop codon.
Molecular consequence: nonsense.
Genome position (GRCh38, 1-based): chr11:108,301,662, C>A. VCF-style: chr11-108301662-C-A. GRCh37 (hg19) VCF-style: chr11-108172389-C-A.
Other names: c.5192C>A, p.Ser1731Ter (NM_001351834.2); short protein forms S1731*.
Identifiers: ClinVar variation 3324999 (VCV003324999.1).